The following is an entry in ClinVar:

ClinVar aggregate classification (germline): Uncertain significance (1 of 4 stars; one submission).

Submission:

Women's Health and Genetics/Laboratory Corporation of America, LabCorp
Classification: Uncertain significance. Last evaluated: 2024-06-13. Review status: criteria provided, single submitter. Criteria: LabCorp Variant Classification Summary - May 2015. Collection method: clinical testing. Allele origin: germline.
Comment: Variant summary: KCNJ11 c.491T>A (p.Leu164His) results in a non-conservative amino acid change located in the potassium channel, inwardly rectifying, transmembrane domain (IPR040445) of the encoded protein sequence. Five of five in-silico tools predict a damaging effect of the variant on protein function. The variant was absent in 249412 control chromosomes (gnomAD). The available data on variant occurrences in the general population are insufficient to allow any conclusion about variant significance. To our knowledge, no occurrence of c.491T>A in individuals affected with Congenital Hyperinsulinism and no experimental evidence demonstrating its impact on protein function have been reported. No submitters have cited clinical-significance assessments for this variant to ClinVar. Based on the evidence outlined above, the variant was classified as uncertain significance.

NM_000525.4(KCNJ11):c.491T>A (p.Leu164His)

Gene: KCNJ11 (potassium inwardly rectifying channel subfamily J member 11; minus strand). Cytogenetic location: 11p15.1.
Variant type: single nucleotide variant.
Coding change: c.491T>A on transcript NM_000525.4 (MANE Select); coding-DNA position 491, T replaced by A.
Protein change: p.Leu164His; replaces leucine 164 with histidine.
Molecular consequence: missense variant.
Genome position (GRCh38, 1-based): chr11:17,387,601, A>T on the plus strand (T>A on the coding strand, the complement: KCNJ11 is on the minus strand). VCF-style: chr11-17387601-A-T. GRCh37 (hg19) VCF-style: chr11-17409148-A-T.
Other names: c.230T>A, p.Leu77His (NM_001166290.2, NM_001377296.1, NM_001377297.1); short protein forms L164H, L77H.
Identifiers: ClinVar variation 3339537 (VCV003339537.1).